The following is an entry in ClinVar:

ClinVar aggregate classification (germline): Uncertain significance (1 of 4 stars; one submission).

Conditions:
Hereditary nonpolyposis colorectal neoplasms. Identifiers: MedGen C0009405, MeSH D003123.

Allele frequency attached by ClinVar (database versions not stated): TOPMed below 0.00001.

Submission:

Labcorp Genetics (formerly Invitae), Labcorp
Classification: Uncertain significance for Hereditary nonpolyposis colorectal neoplasms. Last evaluated: 2024-01-14. Review status: criteria provided, single submitter. Criteria: Invitae Variant Classification Sherloc (09022015). Collection method: clinical testing. Allele origin: germline.
Comment: This sequence change replaces aspartic acid, which is acidic and polar, with tyrosine, which is neutral and polar, at codon 1084 of the MSH6 protein (p.Asp1084Tyr). This variant is not present in population databases (gnomAD no frequency). This variant has not been reported in the literature in individuals affected with MSH6-related conditions. Advanced modeling of protein sequence and biophysical properties (such as structural, functional, and spatial information, amino acid conservation, physicochemical variation, residue mobility, and thermodynamic stability) performed at Invitae indicates that this missense variant is not expected to disrupt MSH6 protein function with a negative predictive value of 95%. In summary, the available evidence is currently insufficient to determine the role of this variant in disease. Therefore, it has been classified as a Variant of Uncertain Significance.

NM_000179.3(MSH6):c.3250G>T (p.Asp1084Tyr)

Gene: MSH6 (mutS homolog 6; plus strand). Cytogenetic location: 2p16.3.
Variant type: single nucleotide variant.
Coding change: c.3250G>T on transcript NM_000179.3 (MANE Select); coding-DNA position 3250, G replaced by T.
Protein change: p.Asp1084Tyr; replaces aspartic acid 1084 with tyrosine.
Molecular consequence: missense variant. On other transcripts: non-coding transcript variant (5), intron variant (1).
Genome position (GRCh38, 1-based): chr2:47,803,497, G>T. VCF-style: chr2-47803497-G-T. GRCh37 (hg19) VCF-style: chr2-48030636-G-T.
Other names: c.3250G>T, p.Asp1084Tyr (NM_001406796.1, NM_001406800.1, NM_001406808.1 and 1 more transcripts); c.2953G>T, p.Asp985Tyr (NM_001406797.1, NM_001406801.1, NM_001406805.1 and 10 more transcripts); c.2725G>T, p.Asp909Tyr (NM_001406799.1, NM_001406806.1, NM_001406807.1); c.3346G>T, p.Asp1116Tyr (NM_001406802.1, NM_001406795.1); c.2386G>T, p.Asp796Tyr (NM_001406803.1); c.3172G>T, p.Asp1058Tyr (NM_001406804.1); c.2344G>T, p.Asp782Tyr (NM_001406811.1, NM_001406812.1, NM_001406814.1 and 6 more transcripts); c.3256G>T, p.Asp1086Tyr (NM_001406813.1); and 7 more; short protein forms D399Y, D562Y, D33Y, D985Y, D1058Y, D1084Y, D1086Y, D11Y.
Identifiers: ClinVar variation 2709314 (VCV002709314.1), dbSNP rs1553331360, ClinGen allele CA346758121.